The following is an entry in ClinVar:

ClinVar aggregate classification (germline): Likely benign. Review status: criteria provided, multiple submitters, no conflicts (2 of 4 stars). 2 submissions from 2 submitters: Likely benign (2). Last evaluated 2023-12-22.

Conditions:
Brugada syndrome 4 (BRGDA4). Identifiers: Orphanet 130, MedGen C2678477, MONDO:0012743, OMIM 611876.

gnomAD v4.1: 29 of 1,613,758 alleles (0.0018%); highest among the groups gnomAD compares: Non-Finnish European, 0.0022%; no homozygotes.

Submissions (2):

Labcorp Genetics (formerly Invitae), Labcorp
Classification: Likely benign for Brugada syndrome 4. Last evaluated: 2023-12-22. Review status: criteria provided, single submitter. Criteria: Invitae Variant Classification Sherloc (09022015). Collection method: clinical testing. Allele origin: germline.

GeneDx
Classification: Likely benign. Last evaluated: 2017-10-20. Review status: criteria provided, single submitter. Criteria: GeneDx Variant Classification (06012015). Collection method: clinical testing. Allele origin: germline. Affected: yes.
Comment: This variant is considered likely benign or benign based on one or more of the following criteria: it is a conservative change, it occurs at a poorly conserved position in the protein, it is predicted to be benign by multiple in silico algorithms, and/or has population frequency not consistent with disease.

NM_201596.3(CACNB2):c.214-60936G>C

Gene: CACNB2 (calcium voltage-gated channel auxiliary subunit beta 2; plus strand). Cytogenetic location: 10p12.32.
Variant type: single nucleotide variant.
Coding change: c.214-60936G>C on transcript NM_201596.3 (MANE Select); 60936 bases into the intron before coding-DNA position 214, G replaced by C.
Molecular consequence: intron variant.
Genome position (GRCh38, 1-based): chr10:18,340,988, G>C. VCF-style: chr10-18340988-G-C. GRCh37 (hg19) VCF-style: chr10-18629917-G-C.
Other names: c.130-60936G>C (NM_201571.4, NM_001167945.2, NM_201572.4); c.214-60936G>C (NM_201593.3, NM_201597.3); c.49-60936G>C (NM_000724.4, NM_001330060.2); c.51+11G>C (NM_201590.3).
Identifiers: ClinVar variation 506439 (VCV000506439.8), dbSNP rs778210303, ClinGen allele CA658797402.
Genomic context (GRCh38, chr10:18,340,988, plus strand): 5'-TGCTTGACAGACGCCTTATAGCTCCTCAAACTAAATACATTATTCCTGGGGTAAGCATAC[G>C]GGAGAGAAGCCGGCCAGATGCACGGTGCGGTTTAAAGAAAACAGGAATGCATAGAACTGT-3'